The following is an entry in ClinVar:

NM_001130698.2(TRPC3):c.2607T>G (p.Asn869Lys)

Gene: TRPC3 (transient receptor potential cation channel subfamily C member 3; minus strand). Cytogenetic location: 4q27.
Variant type: single nucleotide variant.
Coding change: c.2607T>G on transcript NM_001130698.2 (MANE Select); coding-DNA position 2607, T replaced by G.
Protein change: p.Asn869Lys; replaces asparagine 869 with lysine.
Molecular consequence: missense variant.
Genome position (GRCh38, 1-based): chr4:121,882,370, A>C on the plus strand (T>G on the coding strand, the complement: TRPC3 is on the minus strand). VCF-style: chr4-121882370-A-C. GRCh37 (hg19) VCF-style: chr4-122803525-A-C.
Other names: c.2523T>G, p.Asn841Lys (NM_001366479.2); c.2388T>G, p.Asn796Lys (NM_003305.2); short protein forms N796K, N841K, N869K.
Identifiers: ClinVar variation 4752648 (VCV004752648.1).

ClinVar aggregate classification (germline): Uncertain significance (1 of 4 stars; one submission).

gnomAD v4.1: 17 of 1,609,610 alleles (0.0011%); highest among the groups gnomAD compares: African/African-American, 0.02%; no homozygotes.

Submission:

Labcorp Genetics (formerly Invitae), Labcorp
Classification: Uncertain significance. Last evaluated: 2025-08-04. Review status: criteria provided, single submitter. Criteria: Invitae Variant Classification Sherloc (09022015). Collection method: clinical testing. Allele origin: germline.
Comment: This sequence change replaces asparagine, which is neutral and polar, with lysine, which is basic and polar, at codon 869 of the TRPC3 protein (p.Asn869Lys). This variant is present in population databases (rs751669005, gnomAD 0.03%). This variant has not been reported in the literature in individuals affected with TRPC3-related conditions. Invitae Evidence Modeling of protein sequence and biophysical properties (such as structural, functional, and spatial information, amino acid conservation, physicochemical variation, residue mobility, and thermodynamic stability) indicates that this missense variant is not expected to disrupt TRPC3 protein function with a negative predictive value of 80%. In summary, the available evidence is currently insufficient to determine the role of this variant in disease. Therefore, it has been classified as a Variant of Uncertain Significance.